The following is an entry in ClinVar:

NC_000001.10:g.(?_215916519)_(215916677_?)del

Gene: USH2A (usherin; minus strand). Cytogenetic location: 1q41.
Variant type: Deletion.
Identifiers: ClinVar variation 2427763 (VCV002427763.3).

ClinVar aggregate classification (germline): Uncertain significance (1 of 4 stars; one submission).

Submission:

Labcorp Genetics (formerly Invitae), Labcorp
Classification: Uncertain significance. Last evaluated: 2019-11-05. Review status: criteria provided, single submitter. Criteria: Invitae Variant Classification Sherloc (09022015). Collection method: clinical testing. Allele origin: germline.
Comment: This variant is an in-frame deletion of the genomic region encompassing exon 59 of the USH2A gene. It preserves the integrity of the reading frame. This variant has not been reported in the literature in individuals with USH2A-related conditions. Experimental studies and prediction algorithms are not available or were not evaluated, and the functional significance of this variant is currently unknown. In summary, the available evidence is currently insufficient to determine the role of this variant in disease. Therefore, it has been classified as a Variant of Uncertain Significance.